The following is an entry in ClinVar:

NM_001009944.3(PKD1):c.1385+1G>T

Gene: PKD1 (polycystin 1, transient receptor potential channel interacting; minus strand). Cytogenetic location: 16p13.3.
Variant type: single nucleotide variant.
Coding change: c.1385+1G>T on transcript NM_001009944.3 (MANE Select); the canonical splice donor site of the intron after coding-DNA position 1385, G replaced by T.
Molecular consequence: splice donor variant.
Genome position (GRCh38, 1-based): chr16:2,117,488, C>A on the plus strand (G>T on the coding strand, the complement: PKD1 is on the minus strand). VCF-style: chr16-2117488-C-A. GRCh37 (hg19) VCF-style: chr16-2167489-C-A.
Other names: c.1385+1G>T (NM_000296.4).
Identifiers: ClinVar variation 1806361 (VCV001806361.1), dbSNP rs2544875657, ClinGen allele CA394392340.

ClinVar aggregate classification (germline): Pathogenic (1 of 4 stars; one submission).

Conditions:
Polycystic kidney disease, adult type (PKD1). Also called: POLYCYSTIC KIDNEY DISEASE, ADULT, TYPE I; Polycystic Kidney, Autosomal Dominant; Polycystic Kidney Disease 1, Autosomal Dominant; Polycystic kidney disease 1; Polycystic kidney disease 1, severe; POLYCYSTIC KIDNEY DISEASE 1 WITH OR WITHOUT POLYCYSTIC LIVER DISEASE. Identifiers: MedGen C3149841, MONDO:0008263, OMIM 173900.

Submission:

Victorian Clinical Genetics Services, Murdoch Childrens Research Institute
Classification: Pathogenic for Polycystic kidney disease, adult type. Last evaluated: 2022-02-02. Review status: criteria provided, single submitter. Criteria: ACMG Guidelines, 2015. Collection method: clinical testing. Allele origin: germline. Inheritance: Autosomal dominant inheritance. Affected: yes.
Comment: Based on the classification scheme VCGS_Germline_v1.3.4, this variant is classified as Pathogenic. Following criteria are met: 0102 - Loss of function is a known mechanism of disease in this gene and is associated with polycystic kidney disease 1 (MIM#173900). (I) 0107 - This gene is associated with autosomal dominant disease. Predominantly caused by monoallelic variants, with rare reports of biallelic variants causing disease. (I) 0211 - Canonical splice site variant without proven consequence on splicing (no functional evidence available). (SP) 0251 - This variant is heterozygous. (I) 0301 - Variant is absent from gnomAD (both v2 and v3). (SP) 0508 - In silico predictions for abnormal splicing are inconclusive, however the affected nucleotide is highly conserved. (I) 0704 - Another canonical splice variant comparable to the one identified in this case has limited previous evidence for pathogenicity. This variant (c.1385+1G>C) has been reported in a cohort of individuals with mild polycystic kidney disease (PMID: 33602752). (SP) 0807 - This variant has no previous evidence of pathogenicity. (I) 0905 - No published segregation evidence has been identified for this variant. (I) 1007 - No published functional evidence has been identified for this variant. (SP) Legend: (SP) - Supporting pathogenic, (I) - Information, (SB) - Supporting benign

Literature cited by the submitters: PubMed 33602752.